The following is an entry in ClinVar:

NM_001003699.4(RREB1):c.553C>A (p.Pro185Thr)

Gene: RREB1 (ras responsive element binding protein 1; plus strand). Cytogenetic location: 6p24.3.
Variant type: single nucleotide variant.
Coding change: c.553C>A on transcript NM_001003699.4 (MANE Select); coding-DNA position 553, C replaced by A.
Protein change: p.Pro185Thr; replaces proline 185 with threonine.
Molecular consequence: missense variant.
Genome position (GRCh38, 1-based): chr6:7,210,931, C>A. VCF-style: chr6-7210931-C-A. GRCh37 (hg19) VCF-style: chr6-7211164-C-A.
Other names: c.553C>A, p.Pro185Thr (NM_001003698.4, NM_001003700.2, NM_001168344.2); short protein forms P185T.
Identifiers: ClinVar variation 734733 (VCV000734733.5), dbSNP rs115318121, ClinGen allele CA3625304.

ClinVar aggregate classification (germline): Likely benign. Review status: criteria provided, multiple submitters, no conflicts (2 of 4 stars). 3 submissions from 3 submitters: Likely benign (3). Last evaluated 2026-07-01.

Conditions:
RREB1-related disorder. Also called: RREB1-related condition.

Allele frequency attached by ClinVar (database versions not stated): ExAC 0.00031; gnomAD 0.00082 and 0.00087; TOPMed 0.00105; 1000 Genomes Project 0.00120; ESP Exome Variant Server 0.00138; 1000 Genomes Project 30x 0.00141.
gnomAD v4.1: 278 of 1,613,756 alleles (0.017%); highest among the groups gnomAD compares: African/African-American, 0.3%; no homozygotes.

Submissions (3):

PreventionGenetics, part of Exact Sciences
Classification: Likely benign for RREB1-related condition. Last evaluated: 2026-07-01. Review status: criteria provided, single submitter. Criteria: ACMG Guidelines, 2015. Collection method: clinical testing. Allele origin: germline.
Comment: This variant is classified as likely benign based on ACMG/AMP sequence variant interpretation guidelines (Richards et al. 2015 PMID: 25741868, with internal and published modifications).

Women's Health and Genetics/Laboratory Corporation of America, LabCorp
Classification: Likely benign. Last evaluated: 2026-05-11. Review status: criteria provided, single submitter. Criteria: LabCorp Variant Classification Summary - May 2015. Collection method: clinical testing. Allele origin: germline.

Labcorp Genetics (formerly Invitae), Labcorp
Classification: Likely benign. Last evaluated: 2018-07-29. Review status: criteria provided, single submitter. Criteria: Invitae Variant Classification Sherloc (09022015). Collection method: clinical testing. Allele origin: germline.